The following is an entry in ClinVar:

ClinVar aggregate classification (germline): Uncertain significance. Review status: criteria provided, multiple submitters, no conflicts (2 of 4 stars). 2 submissions from 2 submitters: Uncertain significance (2). Last evaluated 2026-03-05.

Conditions:
Early-infantile DEE. Also called: Ohtahara syndrome; Early infantile epileptic encephalopathy with suppression bursts; Early infantile epileptic encephalopathy. Identifiers: Orphanet 1934, MedGen C0393706, MONDO:0800491.
Developmental and epileptic encephalopathy, 24 (DEE24). Also called: Epileptic encephalopathy, early infantile, 24. Identifiers: Orphanet 442835, MedGen C4014531, MONDO:0014377, OMIM 615871.

Submissions (2):

Mendelics
Classification: Uncertain significance for Developmental and epileptic encephalopathy, 24. Last evaluated: 2026-03-05. Review status: criteria provided, single submitter. Criteria: ACMG Guidelines, 2015. Collection method: clinical testing. Allele origin: unknown.
Comment: The available evidence is insufficient to conclusively determine the role of this variant. Therefore, it is classified as a Variant of Uncertain Significance.

Labcorp Genetics (formerly Invitae), Labcorp
Classification: Uncertain significance for Early-infantile DEE. Last evaluated: 2025-10-20. Review status: criteria provided, single submitter. Criteria: Invitae Variant Classification Sherloc (09022015). Collection method: clinical testing. Allele origin: germline.
Comment: This variant, c.278_298dup21, results in the insertion of 7 amino acid(s) of the HCN1 protein (p.Phe93_Thr99dup), but otherwise preserves the integrity of the reading frame. This variant is present in population databases (no rsID available, gnomAD 0.0009%). This variant has not been reported in the literature in individuals affected with HCN1-related conditions. ClinVar contains an entry for this variant (Variation ID: 645890). Experimental studies and prediction algorithms are not available or were not evaluated, and the functional significance of this variant is currently unknown. In summary, the available evidence is currently insufficient to determine the role of this variant in disease. Therefore, it has been classified as a Variant of Uncertain Significance.

NM_021072.4(HCN1):c.278_298dup (p.Phe93_Thr99dup)

Gene: HCN1 (hyperpolarization activated cyclic nucleotide gated potassium channel 1; minus strand). Cytogenetic location: 5p12.
Variant type: Duplication.
Coding change: c.278_298dup on transcript NM_021072.4 (MANE Select); coding-DNA positions 278 to 298, 21 bases duplicated (TCATGCAGAGGCAGTTCACCT).
Protein change: p.Phe93_Thr99dup.
Molecular consequence: inframe insertion.
Genome position (GRCh38, 1-based): chr5:45,695,796-45,695,816, AGGTGAACTGCCTCTGCATGA duplicated on the plus strand (TCATGCAGAGGCAGTTCACCT on the coding strand, the reverse complement: HCN1 is on the minus strand); duplicating any 21 consecutive bases within chr5:45,695,796-45,695,818 gives the same sequence; the c. name uses the placement nearest the transcript's 3' end. VCF-style (leftmost placement, unchanged base first): chr5-45695795-G-GAGGTGAACTGCCTCTGCATGA. GRCh37 (hg19) VCF-style: chr5-45695897-G-GAGGTGAACTGCCTCTGCATGA.
Identifiers: ClinVar variation 645890 (VCV000645890.10), dbSNP rs1255874115, ClinGen allele CA559801769.